The following is an entry in ClinVar:

NM_001005242.3(PKP2):c.1840-6G>A

Gene: PKP2 (plakophilin 2; minus strand). Cytogenetic location: 12p11.21.
Variant type: single nucleotide variant.
Coding change: c.1840-6G>A on transcript NM_001005242.3 (MANE Select); 6 bases into the intron before coding-DNA position 1840, G replaced by A.
Molecular consequence: intron variant.
Genome position (GRCh38, 1-based): chr12:32,821,535, C>T on the plus strand (G>A on the coding strand, the complement: PKP2 is on the minus strand). VCF-style: chr12-32821535-C-T. GRCh37 (hg19) VCF-style: chr12-32974469-C-T.
Other names: c.1840-6G>A (NM_001407155.1, NM_001407161.1); c.1972-6G>A (NM_004572.4, NM_001407157.1); c.1513-6G>A (NM_001407160.1, NM_001407159.1, NM_001407158.1 and 1 more transcripts); c.1675-6G>A (NM_001407156.1).
Identifiers: ClinVar variation 3236122 (VCV003236122.1), dbSNP rs757719317, ClinGen allele CA2825002079.

ClinVar aggregate classification (germline): Uncertain significance (1 of 4 stars; one submission).

Conditions:
Arrhythmogenic right ventricular dysplasia 9 (ARVD9). Also called: Arrhythmogenic Right Ventricular Dysplasia/Cardiomyopathy 9; ARRHYTHMOGENIC RIGHT VENTRICULAR DYSPLASIA, FAMILIAL, 9. Identifiers: MedGen C1836906, MONDO:0012180, OMIM 609040.

Submission:

MVZ Medizinische Genetik Mainz
Classification: Uncertain significance for Arrhythmogenic right ventricular dysplasia 9. Last evaluated: 2023-09-14. Review status: criteria provided, single submitter. Criteria: UK Practice Guidelines For Variant Classification V4 01 2020. Collection method: clinical testing. Allele origin: germline. Inheritance: Autosomal dominant inheritance. Affected: yes. Observed: 1 variant allele.
Comment: ACMG Criteria: PM2_SUP,PP3